The following is an entry in ClinVar:

ClinVar aggregate classification (germline): Pathogenic (1 of 4 stars; one submission).

Conditions:
Anemia, nonspherocytic hemolytic, due to G6PD deficiency (CNSHA1). Also called: Hemolytic anemia due to G6PD deficiency; Class I glucose-6-phosphate dehydrogenase deficiency; Favism, susceptibility to; ANEMIA, CONGENITAL, NONSPHEROCYTIC HEMOLYTIC, 1. Identifiers: Orphanet 466026, MedGen C2720289, MONDO:0010480, OMIM 300908.

Submission:

Dunham Lab, University of Washington
Classification: Pathogenic for Anemia, nonspherocytic hemolytic, due to G6PD deficiency. Last evaluated: 2022-08-12. Review status: criteria provided, single submitter. Criteria: Bayesian ACMG Guidelines, 2018. Collection method: curation. Allele origin: unknown. Affected: yes.
Comment: Decreased activity in red blood cells (PS3). Affects same amino acid as pathogenic 393R>H (ClinVar ID 10370) (PM5). Within dimer interface (PM1). Not found in gnomAD (PM2). Post_P 0.997 (odds of pathogenicity 3158, Prior_P 0.1).

Literature cited by the submitters: PubMed 7655862; PubMed 31294066.

NM_001360016.2(G6PD):c.1177C>G (p.Arg393Gly)

Gene: G6PD (glucose-6-phosphate dehydrogenase; minus strand). Cytogenetic location: Xq28.
Variant type: single nucleotide variant.
Coding change: c.1177C>G on transcript NM_001360016.2 (MANE Select); coding-DNA position 1177, C replaced by G.
Protein change: p.Arg393Gly; replaces arginine 393 with glycine.
Molecular consequence: missense variant.
Genome position (GRCh38, 1-based): chrX:154,532,677, G>C on the plus strand (C>G on the coding strand, the complement: G6PD is on the minus strand). VCF-style: chrX-154532677-G-C. GRCh37 (hg19) VCF-style: chrX-153760892-G-C.
Other names: G6PD Wisconsin; c.1267C>G, p.Arg423Gly (NM_000402.4); c.1177C>G, p.Arg393Gly (NM_001042351.3); short protein forms R393G, R423G.
Identifiers: ClinVar variation 1722672 (VCV001722672.2), dbSNP rs2148328873, ClinGen allele CA415234055.